The following is an entry in ClinVar:

NM_033225.6(CSMD1):c.818+66153_818+68882del

Gene: CSMD1 (CUB and Sushi multiple domains 1; minus strand). Cytogenetic location: 8p23.2.
Variant type: Deletion.
Coding change: c.818+66153_818+68882del on transcript NM_033225.6 (MANE Select); bases 66153 to 68882 of the intron after coding-DNA position 818, 2,730 bases deleted.
Molecular consequence: intron variant.
Genome position (GRCh38, 1-based): chr8:3,929,021-3,931,750, 2,730 bases deleted. GRCh37 (hg19): chr8:3,786,543-3,789,272.
Identifiers: ClinVar variation 157085 (VCV000157085.2), ClinGen allele CA212209.

ClinVar aggregate classification (germline): not provided (0 of 4 stars; one submission).

Conditions:
Large for gestational age. Identifiers: MedGen C1848395, HP:0001520.

Submission:

Institute of Molecular and Cell Biology, University of Tartu
No classification provided. Condition: Large for gestational age. Review status: no classification provided. Collection method: case-control. Allele origin: unknown. Affected: yes. Study: Kasak2014.
Comment: The study aimed to determine the contribution of copy number variants in the genetic etiology of normal and complicated pregnancies. The samples represented (i) maternal blood DNA drawn from healthy pregnant women during 1st or 2nd trimester and (ii) maternal and paternal blood DNA drawn at term pregnancy cases representing normal and complicated gestations (severe preeclampsia, PE; gestational diabetes, GD; small-for-gestational age newborn, SGA; large-for-gestational age newborn, LGA). We performed CNV calling based on genome-wide genotyping dataset (Illumina HumanOmniExpress-24-v1 BeadChip) by applying three algorithms, QuantiSNP, GADA (Genome Alteration Detection Algorithm) and CNstream in parallel. The acquired CNV calls were merged with HD-CNV (Hotspot Detector for Copy Number Variants) program and only the CNVs predicted by at least two programs, were considered in subsequent analysis.

Literature cited by the submitters: PubMed 25666259.